The following is an entry in ClinVar:

ClinVar aggregate classification (germline): Uncertain significance. Review status: criteria provided, multiple submitters, no conflicts (2 of 4 stars). 3 submissions from 3 submitters: Uncertain significance (3). Last evaluated 2022-04-29.

Conditions:
Hypoparathyroidism, deafness, renal disease syndrome (HDRS). Also called: HYPOPARATHYROIDISM, SENSORINEURAL DEAFNESS, AND RENAL DYSPLASIA SYNDROME. Identifiers: Orphanet 2237, MedGen C1840333, MONDO:0007797, OMIM 146255.

Allele frequency attached by ClinVar (database versions not stated): gnomAD exomes below 0.00001 and 0.00001; TOPMed below 0.00001.

Submissions (3):

Fulgent Genetics
Classification: Uncertain significance for Hypoparathyroidism, deafness, renal disease syndrome. Last evaluated: 2022-04-29. Review status: criteria provided, single submitter. Criteria: ACMG Guidelines, 2015. Collection method: clinical testing. Allele origin: unknown.

Labcorp Genetics (formerly Invitae), Labcorp
Classification: Uncertain significance. Last evaluated: 2022-03-10. Review status: criteria provided, single submitter. Criteria: Invitae Variant Classification Sherloc (09022015). Collection method: clinical testing. Allele origin: germline.
Comment: ClinVar contains an entry for this variant (Variation ID: 1034340). In summary, the available evidence is currently insufficient to determine the role of this variant in disease. Therefore, it has been classified as a Variant of Uncertain Significance. Algorithms developed to predict the effect of missense changes on protein structure and function are either unavailable or do not agree on the potential impact of this missense change (SIFT: "Deleterious"; PolyPhen-2: "Possibly Damaging"; Align-GVGD: "Class C15"). This variant has not been reported in the literature in individuals affected with GATA3-related conditions. The frequency data for this variant in the population databases is considered unreliable, as metrics indicate poor data quality at this position in the gnomAD database. This sequence change replaces proline, which is neutral and non-polar, with leucine, which is neutral and non-polar, at codon 24 of the GATA3 protein (p.Pro24Leu).

Baylor Genetics
Classification: Uncertain significance for Hypoparathyroidism, deafness, renal disease syndrome. Last evaluated: 2018-07-31. Review status: criteria provided, single submitter. Criteria: ACMG Guidelines, 2015. Collection method: clinical testing. Allele origin: paternal. Affected: yes.
Comment: This variant was determined to be of uncertain significance according to ACMG Guidelines, 2015 [PMID:25741868].

NM_001002295.2(GATA3):c.71C>T (p.Pro24Leu)

Gene: GATA3 (GATA binding protein 3; plus strand). Cytogenetic location: 10p14.
Variant type: single nucleotide variant.
Coding change: c.71C>T on transcript NM_001002295.2 (MANE Select); coding-DNA position 71, C replaced by T.
Protein change: p.Pro24Leu; replaces proline 24 with leucine.
Molecular consequence: missense variant.
Genome position (GRCh38, 1-based): chr10:8,055,726, C>T. VCF-style: chr10-8055726-C-T. GRCh37 (hg19) VCF-style: chr10-8097689-C-T.
Other names: c.71C>T, p.Pro24Leu (NM_002051.3); short protein forms P24L.
Identifiers: ClinVar variation 1034340 (VCV001034340.10), dbSNP rs1485724723, ClinGen allele CA375965099.
Genomic context (GRCh38, chr10:8,055,726, plus strand): 5'-CGGCGGACCAGCCGCGCTGGGTGAGCCACCACCACCCCGCCGTGCTCAACGGGCAGCACC[C>T]GGACACGCACCACCCGGGCCTCAGCCACTCCTACATGGACGCGGCGCAGTACCCGCTGCC-3'
Protein context (NP_001002295.1, residues 14-34): HHPAVLNGQH[Pro24Leu]DTHHPGLSHS